The following is an entry in ClinVar:

NM_000424.4(KRT5):c.1636C>A (p.Leu546Ile)

Gene: KRT5 (keratin 5; minus strand). Cytogenetic location: 12q13.13.
Variant type: single nucleotide variant.
Coding change: c.1636C>A on transcript NM_000424.4 (MANE Select); coding-DNA position 1636, C replaced by A.
Protein change: p.Leu546Ile; replaces leucine 546 with isoleucine.
Molecular consequence: missense variant.
Genome position (GRCh38, 1-based): chr12:52,515,079, G>T on the plus strand (C>A on the coding strand, the complement: KRT5 is on the minus strand). VCF-style: chr12-52515079-G-T. GRCh37 (hg19) VCF-style: chr12-52908863-G-T.
Other names: short protein forms L546I.
Identifiers: ClinVar variation 66226 (VCV000066226.15), dbSNP rs114734812, ClinGen allele CA216690.

ClinVar aggregate classification (germline): Benign/Likely benign. Review status: criteria provided, multiple submitters, no conflicts (2 of 4 stars). 6 submissions from 6 submitters: Benign (1); Likely benign (3). 2 of the submissions do not count toward it. Last evaluated 2026-05-01.

Conditions:
KRT5-related disorder. Also called: KRT5-related condition.
Epidermolysis bullosa simplex 1C, localized. Also called: EBS, ACRAL FORM; EPIDERMOLYSIS BULLOSA OF HANDS AND FEET; Localized epidermolysis bullosa simplex; Weber-Cockayne Syndrome; Epidermolysis Bullosa Simplex, Weber-Cockayne Type. Identifiers: Orphanet 79400, MedGen C0080333, MONDO:0007551, OMIM 131800.

Allele frequency attached by ClinVar (database versions not stated): TOPMed 0.00402; 1000 Genomes Project 30x 0.00515; 1000 Genomes Project 0.00579; gnomAD exomes 0.00107; ExAC 0.00146; gnomAD 0.00375 and 0.00394; ESP Exome Variant Server 0.00600.
gnomAD v4.1: 1,054 of 1,611,242 alleles (0.065%); highest among the groups gnomAD compares: African/African-American, 1.3%; 5 homozygotes.

Submissions (6):

CeGaT Center for Human Genetics Tuebingen
Classification: Likely benign. Last evaluated: 2026-05-01. Review status: criteria provided, single submitter. Criteria: CeGaT Center For Human Genetics Tuebingen Variant Classification Criteria Version 2. Collection method: clinical testing. Allele origin: germline. Affected: yes. Observed: 1 variant allele.
Comment: KRT5: BP4

Labcorp Genetics (formerly Invitae), Labcorp
Classification: Benign. Last evaluated: 2025-06-10. Review status: criteria provided, single submitter. Criteria: Invitae Variant Classification Sherloc (09022015). Collection method: clinical testing. Allele origin: germline.

Mendelics
Classification: Likely benign for Epidermolysis bullosa simplex 1C, localized. Last evaluated: 2019-05-28. Review status: criteria provided, single submitter. Criteria: Mendelics Assertion Criteria 2017. Collection method: clinical testing. Allele origin: unknown.

Center for Pediatric Genomic Medicine, Children's Mercy Hospital and Clinics
Classification: Likely benign. Last evaluated: 2017-06-19. Review status: criteria provided, single submitter. Criteria: ACMG Guidelines, 2015. Collection method: clinical testing. Allele origin: germline.

PreventionGenetics, part of Exact Sciences
Classification: Likely benign for KRT5-related condition. Last evaluated: 2024-01-31. Review status: no assertion criteria provided. Collection method: clinical testing. Allele origin: germline. Not counted in ClinVar's aggregate classification.
Comment: This variant is classified as likely benign based on ACMG/AMP sequence variant interpretation guidelines (Richards et al. 2015 PMID: 25741868, with internal and published modifications).

Epithelial Biology;  Institute of Medical Biology, Singapore
No classification provided. Review status: no classification provided. Collection method: not provided. Allele origin: not provided. Not counted in ClinVar's aggregate classification.